The following is an entry in ClinVar:

NM_000611.6(CD59):c.382C>T (p.Pro128Ser)

Gene: CD59 (CD59 molecule (CD59 blood group); minus strand). Cytogenetic location: 11p13.
Variant type: single nucleotide variant.
Coding change: c.382C>T on transcript NM_000611.6 (MANE Select); coding-DNA position 382, C replaced by T.
Protein change: p.Pro128Ser; replaces proline 128 with serine.
Molecular consequence: missense variant.
Genome position (GRCh38, 1-based): chr11:33,710,131, G>A on the plus strand (C>T on the coding strand, the complement: CD59 is on the minus strand). VCF-style: chr11-33710131-G-A. GRCh37 (hg19) VCF-style: chr11-33731677-G-A.
Other names: c.382C>T, p.Pro128Ser (NM_001127223.1, NM_001127225.2, NM_001127226.2 and 4 more transcripts); short protein forms P128S.
Identifiers: ClinVar variation 1046649 (VCV001046649.6), dbSNP rs369200735, ClinGen allele CA5940698.
Genomic context (GRCh38, chr11:33,710,131, plus strand): 5'-AGAAAGCGGACTACGCAGGAACGGGGAGTTTGGGAGAAGCTCTCCTGGTGTTGACTTAGG[G>A]ATGAAGGCTCCAGGCTGCTGCCAGAAATGGAGTCACCAGCAGAAGAACTGTTTTCTCTGA-3'
Protein context (NP_000602.1, residues 118-128): PFLAAAWSLH[Pro128Ser]

ClinVar aggregate classification (germline): Uncertain significance (1 of 4 stars; one submission).

Allele frequency attached by ClinVar (database versions not stated): gnomAD 0.00002; gnomAD exomes 0.00002 and 0.00004; ExAC 0.00003; TOPMed 0.00005; ESP Exome Variant Server 0.00008.
gnomAD v4.1: 65 of 1,611,598 alleles (0.004%); highest among the groups gnomAD compares: Middle Eastern, 0.033%; no homozygotes.

Submission:

Labcorp Genetics (formerly Invitae), Labcorp
Classification: Uncertain significance. Last evaluated: 2022-08-23. Review status: criteria provided, single submitter. Criteria: Invitae Variant Classification Sherloc (09022015). Collection method: clinical testing. Allele origin: germline.
Comment: This sequence change replaces proline, which is neutral and non-polar, with serine, which is neutral and polar, at codon 128 of the CD59 protein (p.Pro128Ser). This variant is present in population databases (rs369200735, gnomAD 0.003%). This variant has not been reported in the literature in individuals affected with CD59-related conditions. ClinVar contains an entry for this variant (Variation ID: 1046649). Algorithms developed to predict the effect of missense changes on protein structure and function are either unavailable or do not agree on the potential impact of this missense change (SIFT: "Tolerated"; PolyPhen-2: "Probably Damaging"; Align-GVGD: "Class C0"). In summary, the available evidence is currently insufficient to determine the role of this variant in disease. Therefore, it has been classified as a Variant of Uncertain Significance.